The following is an entry in ClinVar:

ClinVar aggregate classification (germline): Benign/Likely benign. Review status: criteria provided, multiple submitters, no conflicts (2 of 4 stars). 5 submissions from 5 submitters: Benign (2); Likely benign (2). 1 of the submissions does not count toward it. Last evaluated 2026-02-01.

Conditions:
POLA1-related disorder. Also called: POLA1-related condition.

Allele frequency attached by ClinVar (database versions not stated): TOPMed 0.00023; ESP Exome Variant Server 0.00028; gnomAD 0.00028 and 0.00029; gnomAD exomes 0.00035 and 0.00044; ExAC 0.00052.
gnomAD v4.1: 347 of 980,626 alleles (0.035%); highest among the groups gnomAD compares: Middle Eastern, 0.49%; no homozygotes.

Submissions (5):

Labcorp Genetics (formerly Invitae), Labcorp
Classification: Benign. Last evaluated: 2026-02-01. Review status: criteria provided, single submitter. Criteria: Invitae Variant Classification Sherloc (09022015). Collection method: clinical testing. Allele origin: germline.

Blueprint Genetics
Classification: Likely benign. Last evaluated: 2024-11-05. Review status: criteria provided, single submitter. Criteria: ACMG Guidelines, 2015. Collection method: clinical testing. Allele origin: germline.

Mayo Clinic Laboratories, Mayo Clinic
Classification: Benign. Last evaluated: 2024-05-28. Review status: criteria provided, single submitter. Criteria: ACMG Guidelines, 2015. Collection method: clinical testing. Allele origin: germline. Observed: 3 variant alleles.
Comment: BS1, BS2, BP4, BP7

CeGaT Center for Human Genetics Tuebingen
Classification: Likely benign. Last evaluated: 2023-02-01. Review status: criteria provided, single submitter. Criteria: CeGaT Center For Human Genetics Tuebingen Variant Classification Criteria Version 2. Collection method: clinical testing. Allele origin: germline. Affected: yes. Observed: 3 variant alleles.
Comment: POLA1: BP4, BS2

PreventionGenetics, part of Exact Sciences
Classification: Likely benign for POLA1-related condition. Last evaluated: 2020-03-23. Review status: no assertion criteria provided. Collection method: clinical testing. Allele origin: germline. Not counted in ClinVar's aggregate classification.
Comment: This variant is classified as likely benign based on ACMG/AMP sequence variant interpretation guidelines (Richards et al. 2015 PMID: 25741868, with internal and published modifications).

NM_001330360.2(POLA1):c.3087C>T (p.Asn1029=)

Gene: POLA1 (DNA polymerase alpha 1, catalytic subunit; plus strand). Cytogenetic location: Xp22.11.
Variant type: single nucleotide variant.
Coding change: c.3087C>T on transcript NM_001330360.2 (MANE Select); coding-DNA position 3087, C replaced by T.
Protein change: p.Asn1029=; no amino-acid change (asparagine 1029 retained).
Molecular consequence: synonymous variant. On other transcripts: non-coding transcript variant (2).
Genome position (GRCh38, 1-based): chrX:24,810,797, C>T. VCF-style: chrX-24810797-C-T. GRCh37 (hg19) VCF-style: chrX-24828914-C-T.
Other names: p.Asn1023=; c.3069C>T (NM_016937.3); c.3012C>T, p.Asn1004= (NM_001378303.1); c.3069C>T, p.Asn1023= (NM_016937.4).
Identifiers: ClinVar variation 1166075 (VCV001166075.36), dbSNP rs143911626, ClinGen allele CA10373475.